The following is an entry in ClinVar:

NM_000138.5(FBN1):c.3256T>A (p.Cys1086Ser)

Gene: FBN1 (fibrillin 1; minus strand). Cytogenetic location: 15q21.1.
Variant type: single nucleotide variant.
Coding change: c.3256T>A on transcript NM_000138.5 (MANE Select); coding-DNA position 3256, T replaced by A.
Protein change: p.Cys1086Ser; replaces cysteine 1086 with serine.
Molecular consequence: missense variant.
Genome position (GRCh38, 1-based): chr15:48,488,194, A>T on the plus strand (T>A on the coding strand, the complement: FBN1 is on the minus strand). VCF-style: chr15-48488194-A-T. GRCh37 (hg19) VCF-style: chr15-48780391-A-T.
Other names: c.3256T>A, p.Cys1086Ser (NM_001406716.1); short protein forms C1086S.
Identifiers: ClinVar variation 3254610 (VCV003254610.2), dbSNP rs1555398637.
Genomic context (GRCh38, chr15:48,488,194, plus strand): 5'-TGAATCCACTTTCATAGCCTTCGTCACACTTGCATTCAAAGTCCCCAGGGGTGTTCACAC[A>T]CTGGCCTCTGCCACAGAGGTCAGGAGATATGCGGCATTCGTCAATGTCTGCACAAAAACA-3'
Protein context (NP_000129.3, residues 1076-1096): ISPDLCGRGQ[Cys1086Ser]VNTPGDFECK

ClinVar aggregate classification (germline): Pathogenic (1 of 4 stars; one submission).

Conditions:
Marfan syndrome (MFS). Also called: MARFAN SYNDROME, TYPE I; Marfan syndrome type 1; Marfan's syndrome; Marfan syndrome, classic; FBN1-Related Marfan Syndrome. Identifiers: Orphanet 284963, Orphanet 558, MedGen C0024796, MONDO:0007947, OMIM 154700.

Submission:

Victorian Clinical Genetics Services, Murdoch Childrens Research Institute
Classification: Pathogenic for Marfan syndrome. Last evaluated: 2024-09-21. Review status: criteria provided, single submitter. Criteria: ACMG Guidelines, 2015. Collection method: clinical testing. Allele origin: germline. Inheritance: Autosomal dominant inheritance. Affected: yes.
Comment: Based on the classification scheme VCGS_Germline_v1.3.4, this variant is classified as Pathogenic. Following criteria are met: 0103 - Dominant negative and loss of function are known mechanisms of disease in this gene and are associated with FBN1-related disease. Variants predicted to result in nonsense mediated decay cause loss of function effects, and are more commonly associated with severe Marfan syndrome (MIM#154700). Missense variants with both dominant negative and loss of function effects on protein function, are associated with Marfan syndrome and ectopia lentis (MIM#129600) (OMIM, PMID: 29357934). The exact genotype-phenotype correlation for this gene is still unclear, and is compounded by variable expressivity (PMID: 20301510). (I) 0107 - This gene is predominantly associated with autosomal dominant disease; autosomal recessive forms of Marfan syndrome have rarely been reported (PMID: 27274304; 31950671). (I) 0115 - Variants in this gene are known to have variable expressivity. The genotype-phenotype correlations for this gene are unclear, with single variants reported in patients with a range of phenotypes (PMID: 20301510, OMIM). (I) 0200 - Variant is predicted to result in a missense amino acid change from cysteine to serine. (I) 0251 - This variant is heterozygous. (I) 0301 - Variant is absent from gnomAD (both v2 and v3). (SP) 0501 - Missense variant consistently predicted to be damaging by multiple in silico tools or highly conserved with a major amino acid change. (SP) 0601 - Variant affects the well-established functional cysteine residue part of disulfide bonding in the EGF domain (DECIPHER). (SP) 0702 - Other missense variants comparable to the one identified in this case have strong previous evidence for pathogenicity. These alternative changes (p.(Cys1086Arg), p.(Cys1086Tyr), p.(Cys1086Trp), p.(Cys1086Gly)) have been reported several times as pathogenic, and de novo in individuals with neonatal Marfan syndrome. In one of these individuals, the variant was mosaic in their unaffected parent (ClinVar, PMID: 9401003, PMID: 17366579, PMID: 18379569). (SP) 0807 - This variant has no previous evidence of pathogenicity. (I) 0905 - No published segregation evidence has been identified for this variant. (I) 1007 - No published functional evidence has been identified for this variant. (SP) Legend: (SP) - Supporting pathogenic, (I) - Information, (SB) - Supporting benign

Literature cited by the submitters: PubMed 9401003; PubMed 17366579; PubMed 18379569; PubMed 20301510; PubMed 27274304; PubMed 29357934; PubMed 31950671.